The following is an entry in ClinVar:

NM_172107.4(KCNQ2):c.1999_2377del (p.Ala667fs)

Gene: KCNQ2 (potassium voltage-gated channel subfamily Q member 2; minus strand). Cytogenetic location: 20q13.33.
Variant type: Deletion.
Coding change: c.1999_2377del on transcript NM_172107.4 (MANE Select); coding-DNA positions 1999 to 2377, 379 bases deleted.
Protein change: p.Ala667fs; shifts the reading frame from alanine 667.
Molecular consequence: frameshift variant.
Genome position (GRCh38, 1-based): chr20:63,406,886-63,407,264, 379 bases deleted. GRCh37 (hg19): chr20:62,038,242-62,038,620.
Other names: c.2053_2431del, p.Ala685fs (NM_001382235.1); c.1915_2293del, p.Ala639fs (NM_004518.6); c.1945_2323del, p.Ala649fs (NM_172106.3); c.1906_2284del, p.Ala636fs (NM_172108.5); short protein forms A639fs, A667fs, A636fs, A649fs, A685fs.
Identifiers: ClinVar variation 2833821 (VCV002833821.3), dbSNP rs2516095055, ClinGen allele CA2739277253.

ClinVar aggregate classification (germline): Pathogenic (1 of 4 stars; one submission).

Conditions:
Early-infantile DEE. Also called: Early infantile epileptic encephalopathy; Early infantile epileptic encephalopathy with suppression bursts; Ohtahara syndrome. Identifiers: Orphanet 1934, MedGen C0393706, MONDO:0800491.

Submission:

Labcorp Genetics (formerly Invitae), Labcorp
Classification: Pathogenic for Early-infantile DEE. Last evaluated: 2023-06-26. Review status: criteria provided, single submitter. Criteria: Invitae Variant Classification Sherloc (09022015). Collection method: clinical testing. Allele origin: germline.
Comment: This variant disrupts a region of the KCNQ2 protein in which other variant(s) (p.Lys829Serfs*35) have been determined to be pathogenic (Invitae). This suggests that this is a clinically significant region of the protein, and that variants that disrupt it are likely to be disease-causing. This variant has not been reported in the literature in individuals affected with KCNQ2-related conditions. This variant is not present in population databases (gnomAD no frequency). This sequence change creates a premature translational stop signal (p.Ala667Trpfs*137) in the KCNQ2 gene. While this is not anticipated to result in nonsense mediated decay, it is expected to disrupt the last 206 amino acid(s) of the KCNQ2 protein. For these reasons, this variant has been classified as Pathogenic.